The following is an entry in ClinVar:

NM_015102.5(NPHP4):c.2740C>T (p.Arg914Cys)

Gene: NPHP4 (nephrocystin 4; minus strand). Cytogenetic location: 1p36.31.
Variant type: single nucleotide variant.
Coding change: c.2740C>T on transcript NM_015102.5 (MANE Select); coding-DNA position 2740, C replaced by T.
Protein change: p.Arg914Cys; replaces arginine 914 with cysteine.
Molecular consequence: missense variant. On other transcripts: non-coding transcript variant (1).
Genome position (GRCh38, 1-based): chr1:5,877,170, G>A on the plus strand (C>T on the coding strand, the complement: NPHP4 is on the minus strand). VCF-style: chr1-5877170-G-A. GRCh37 (hg19) VCF-style: chr1-5937230-G-A.
Other names: c.2740C>T (NM_015102.3); c.1201C>T, p.Arg401Cys (NM_001291593.2); c.1204C>T, p.Arg402Cys (NM_001291594.2); short protein forms R401C, R402C, R914C.
Identifiers: ClinVar variation 945735 (VCV000945735.11), dbSNP rs373603595, ClinGen allele CA553949.

ClinVar aggregate classification (germline): Uncertain significance. Review status: criteria provided, multiple submitters, no conflicts (2 of 4 stars). 4 submissions from 4 submitters: Uncertain significance (4). Last evaluated 2024-09-17.

Conditions:
Nephronophthisis 4 (NPHP4). Also called: NEPHRONOPHTHISIS 4, JUVENILE. Identifiers: Orphanet 655, MedGen C1847013, MONDO:0011752, OMIM 606966.
Senior-Loken syndrome 4 (SLSN4). Identifiers: Orphanet 3156, MedGen C1846979, MONDO:0011756, OMIM 606996.
Inborn genetic diseases. Identifiers: MedGen C0950123, MeSH D030342.
Nephronophthisis. Also called: Juvenile Nephronophthisis. Identifiers: Orphanet 655, MedGen C0687120, MONDO:0019005, HP:0000090.

Allele frequency attached by ClinVar (database versions not stated): TOPMed 0.00001; gnomAD 0.00002 and 0.00003; gnomAD exomes 0.00004; ExAC 0.00008; ESP Exome Variant Server 0.00008; 1000 Genomes Project 30x 0.00016; 1000 Genomes Project 0.00020.
gnomAD v4.1: 108 of 1,606,044 alleles (0.0067%); highest among the groups gnomAD compares: Non-Finnish European, 0.0088%; no homozygotes.

Submissions (4):

Blueprint Genetics
Classification: Uncertain significance. Last evaluated: 2024-09-17. Review status: criteria provided, single submitter. Criteria: ACMG Guidelines, 2015. Collection method: clinical testing. Allele origin: germline.

Labcorp Genetics (formerly Invitae), Labcorp
Classification: Uncertain significance for Nephronophthisis. Last evaluated: 2023-08-04. Review status: criteria provided, single submitter. Criteria: Invitae Variant Classification Sherloc (09022015). Collection method: clinical testing. Allele origin: germline.
Comment: This variant has not been reported in the literature in individuals affected with NPHP4-related conditions. In summary, the available evidence is currently insufficient to determine the role of this variant in disease. Therefore, it has been classified as a Variant of Uncertain Significance. Advanced modeling of protein sequence and biophysical properties (such as structural, functional, and spatial information, amino acid conservation, physicochemical variation, residue mobility, and thermodynamic stability) performed at Invitae indicates that this missense variant is expected to disrupt NPHP4 protein function. ClinVar contains an entry for this variant (Variation ID: 945735). This variant is present in population databases (rs373603595, gnomAD 0.009%). This sequence change replaces arginine, which is basic and polar, with cysteine, which is neutral and slightly polar, at codon 914 of the NPHP4 protein (p.Arg914Cys).

Ambry Genetics
Classification: Uncertain significance for Inborn genetic diseases. Last evaluated: 2022-08-03. Review status: criteria provided, single submitter. Criteria: Ambry Variant Classification Scheme 2023. Collection method: clinical testing. Allele origin: germline.

Fulgent Genetics
Classification: Uncertain significance for Nephronophthisis 4; Senior-Loken syndrome 4. Last evaluated: 2022-04-14. Review status: criteria provided, single submitter. Criteria: ACMG Guidelines, 2015. Collection method: clinical testing. Allele origin: unknown.